The following is an entry in ClinVar:

NM_000342.4(SLC4A1):c.1249C>T (p.Leu417=)

Gene: SLC4A1 (solute carrier family 4 member 1 (Diego blood group); minus strand). Cytogenetic location: 17q21.31.
Variant type: single nucleotide variant.
Coding change: c.1249C>T on transcript NM_000342.4 (MANE Select); coding-DNA position 1249, C replaced by T.
Protein change: p.Leu417=; no amino-acid change (leucine 417 retained).
Molecular consequence: synonymous variant.
Genome position (GRCh38, 1-based): chr17:44,258,019, G>A on the plus strand (C>T on the coding strand, the complement: SLC4A1 is on the minus strand). VCF-style: chr17-44258019-G-A. GRCh37 (hg19) VCF-style: chr17-42335387-G-A.
Other names: p.Leu417=.
Identifiers: ClinVar variation 255904 (VCV000255904.38), dbSNP rs5015, ClinGen allele CA8600341.
Genomic context (GRCh38, chr17:44,258,019, plus strand): 5'-GTTAGGGAGACAGGTATTGGCACTGACCCAGGAGGCCGCCGAAGGTGATGGCGGGTGACA[G>A]TGCAGCAAAGTAGATGAAGATGACGGCAGCCAGGACCTGGGGGCTGAATGCATCTGTGAT-3'
Protein context (NP_000333.1, residues 407-427): AAVIFIYFAA[Leu417=]SPAITFGGLL

ClinVar aggregate classification (germline): Benign/Likely benign. Review status: criteria provided, multiple submitters, no conflicts (2 of 4 stars). 13 submissions from 11 submitters: Benign (9); Likely benign (1). 3 of the submissions do not count toward it. Last evaluated 2026-02-01.

Conditions:
Hereditary spherocytosis type 4. Also called: SLC4A1-Related Spherocytosis. Identifiers: Orphanet 822, MedGen C2675212, MONDO:0012981, OMIM 612653.
Autosomal dominant distal renal tubular acidosis (DRTA1). Also called: RTA, CLASSIC TYPE; RTA, DISTAL TYPE, AUTOSOMAL DOMINANT; RTA, GRADIENT TYPE; Renal Tubular Acidosis, Type I; RENAL TUBULAR ACIDOSIS, DISTAL, 1. Identifiers: Orphanet 93608, MedGen CN280572, MONDO:0008368, OMIM 179800.
Hemolytic anemia. Identifiers: MedGen C0002878, MONDO:0003664, HP:0001878.

Allele frequency attached by ClinVar (database versions not stated): 1000 Genomes Project 0.01897; 1000 Genomes Project 30x 0.02030; TOPMed 0.02843; gnomAD 0.03041 and 0.03061; ESP Exome Variant Server 0.03245; ExAC 0.03253; gnomAD exomes 0.03343 and 0.04192.

Submissions (13):

Labcorp Genetics (formerly Invitae), Labcorp
Classification: Benign. Last evaluated: 2026-02-01. Review status: criteria provided, single submitter. Criteria: Invitae Variant Classification Sherloc (09022015). Collection method: clinical testing. Allele origin: germline.

ARUP Laboratories, Molecular Genetics and Genomics, ARUP Laboratories
Classification: Benign. Last evaluated: 2025-07-25. Review status: criteria provided, single submitter. Criteria: ARUP Molecular Germline Variant Investigation Process 2024. Collection method: clinical testing. Allele origin: germline.

Mayo Clinic Laboratories, Mayo Clinic
Classification: Likely benign. Last evaluated: 2025-03-19. Review status: criteria provided, single submitter. Criteria: ACMG Guidelines, 2015. Collection method: clinical testing. Allele origin: germline. Observed: 185 variant alleles.
Comment: BS1, BP4, BP7

Blueprint Genetics
Classification: Benign. Last evaluated: 2024-11-28. Review status: criteria provided, single submitter. Criteria: ACMG Guidelines, 2015. Collection method: clinical testing. Allele origin: germline.

GeneDx
Classification: Benign. Last evaluated: 2020-01-18. Review status: criteria provided, single submitter. Criteria: GeneDx Variant Classification Process June 2021. Collection method: clinical testing. Allele origin: germline. Affected: yes.

Illumina Laboratory Services, Illumina
Classification: Benign for Hemolytic anemia. Last evaluated: 2018-01-13. Review status: criteria provided, single submitter. Criteria: ICSL Variant Classification Criteria 13 December 2019. Collection method: clinical testing. Allele origin: germline.
Comment: This variant was observed in the ICSL laboratory as part of a predisposition screen in an ostensibly healthy population. It had not been previously curated by ICSL or reported in the Human Gene Mutation Database (HGMD: prior to June 1st, 2018), and was therefore a candidate for classification through an automated scoring system. Utilizing variant allele frequency, disease prevalence and penetrance estimates, and inheritance mode, an automated score was calculated to assess if this variant is too frequent to cause the disease. Based on the score and internal cut-off values, a variant classified as benign is not then subjected to further curation. The score for this variant resulted in a classification of benign for this disease.

Illumina Laboratory Services, Illumina
Classification: Benign for Hereditary spherocytosis type 4. Last evaluated: 2018-01-13. Review status: criteria provided, single submitter. Criteria: ICSL Variant Classification Criteria 13 December 2019. Collection method: clinical testing. Allele origin: germline.
Comment: the same text as in the submission from Illumina Laboratory Services, Illumina above.

Illumina Laboratory Services, Illumina
Classification: Benign for Autosomal dominant distal renal tubular acidosis. Last evaluated: 2018-01-13. Review status: criteria provided, single submitter. Criteria: ICSL Variant Classification Criteria 13 December 2019. Collection method: clinical testing. Allele origin: germline.
Comment: the same text as in the submission from Illumina Laboratory Services, Illumina above.

Breakthrough Genomics
Classification: Benign. Review status: criteria provided, single submitter. Criteria: ACMG Guidelines, 2015. Collection method: not provided. Allele origin: germline. Inheritance: Autosomal recessive inheritance. Affected: yes.

PreventionGenetics, part of Exact Sciences
Classification: Benign. Review status: criteria provided, single submitter. Criteria: ACMG Guidelines, 2015. Collection method: clinical testing. Allele origin: germline.

Diagnostic Laboratory, Department of Genetics, University Medical Center Groningen
Classification: Benign. Review status: no assertion criteria provided. Collection method: clinical testing. Allele origin: germline. Affected: yes. Study: VKGL Data-share Consensus. Not counted in ClinVar's aggregate classification.

Genome Diagnostics Laboratory, University Medical Center Utrecht
Classification: Benign. Review status: no assertion criteria provided. Collection method: clinical testing. Allele origin: germline. Affected: yes. Study: VKGL Data-share Consensus. Not counted in ClinVar's aggregate classification.

Joint Genome Diagnostic Labs from Nijmegen and Maastricht, Radboudumc and MUMC+
Classification: Benign. Review status: no assertion criteria provided. Collection method: clinical testing. Allele origin: germline. Affected: yes. Study: VKGL Data-share Consensus. Not counted in ClinVar's aggregate classification.